The following is an entry in ClinVar:

ClinVar aggregate classification (germline): Uncertain significance (1 of 4 stars; one submission).

Conditions:
Tuberous sclerosis 2 (TSC2). Identifiers: Orphanet 805, MedGen C1860707, MONDO:0013199, OMIM 613254.

Submission:

Dasa
Classification: Uncertain significance for Tuberous sclerosis 2. Last evaluated: 2025-05-19. Review status: criteria provided, single submitter. Criteria: DASA Assertion Criteria. Collection method: clinical testing. Allele origin: germline.
Comment: NM_000548.5(TSC2):c.3100G>C (p.Val1034Leu) is a missense variant that results in the substitution of valine with leucine. This variant is absent from population databases. The currently available literature and clinical evidence are not sufficient to establish a definitive association between this variant and the reported condition. Therefore, this variant is classified as a variant of uncertain significance.

NM_000548.5(TSC2):c.3100G>C (p.Val1034Leu)

Gene: TSC2 (TSC complex subunit 2; plus strand). Cytogenetic location: 16p13.3.
Variant type: single nucleotide variant.
Coding change: c.3100G>C on transcript NM_000548.5 (MANE Select); coding-DNA position 3100, G replaced by C.
Protein change: p.Val1034Leu; replaces valine 1034 with leucine.
Molecular consequence: missense variant. On other transcripts: non-coding transcript variant (5).
Genome position (GRCh38, 1-based): chr16:2,079,165, G>C. VCF-style: chr16-2079165-G-C. GRCh37 (hg19) VCF-style: chr16-2129166-G-C.
Other names: c.1366G>C, p.Val456Leu (NM_001406698.1); c.2971G>C, p.Val991Leu (NM_021055.3, NM_001363528.2, NM_001370405.1); c.2968G>C, p.Val990Leu (NM_001077183.3, NM_001370404.1, NM_001406665.1); c.3100G>C, p.Val1034Leu (NM_001114382.3); c.2860G>C, p.Val954Leu (NM_001318827.2); c.2824G>C, p.Val942Leu (NM_001318829.2); c.2368G>C, p.Val790Leu (NM_001318831.2, NM_001406687.1, NM_001406688.1); c.3001G>C, p.Val1001Leu (NM_001318832.2); and 18 more; short protein forms V1001L, V1020L, V1021L, V1033L, V1034L, V456L, V542L, V543L.
Identifiers: ClinVar variation 5020955 (VCV005020955.1).
Genomic context (GRCh38, chr16:2,079,165, plus strand): 5'-AGCCTGAAAAACCTCCACCTGGAGCTCACGGAAACCTGTCTGGACATGATGGCTCGATAC[G>C]TCTTCTCCAACTTCACGGCTGTCCCGAAGAGGTCCAGGCGGCACTACAGGGCTGGGCGGG-3'
Protein context (NP_000539.2, residues 1024-1044): ETCLDMMARY[Val1034Leu]FSNFTAVPKR